The following is an entry in ClinVar:

ClinVar aggregate classification (germline): Likely benign (1 of 4 stars; one submission).

Submission:

GeneDx
Classification: Likely benign. Last evaluated: 2018-06-18. Review status: criteria provided, single submitter. Criteria: GeneDx Variant Classification (06012015). Collection method: clinical testing. Allele origin: germline. Affected: yes.
Comment: This variant is considered likely benign or benign based on one or more of the following criteria: it is a conservative change, it occurs at a poorly conserved position in the protein, it is predicted to be benign by multiple in silico algorithms, and/or has population frequency not consistent with disease.

NM_004006.3(DMD):c.9085-15321_9085-15318dup

Gene: DMD (dystrophin; minus strand). Cytogenetic location: Xp21.2.
Variant type: Duplication.
Coding change: c.9085-15321_9085-15318dup on transcript NM_004006.3 (MANE Select); 15321 bases into the intron before coding-DNA position 9085 through 15318 bases into the intron before coding-DNA position 9085, 4 bases duplicated (ATCT; older notation c.9085-15321_9085-15318dupATCT).
Molecular consequence: intron variant.
Genome position (GRCh38, 1-based): chrX:31,363,952-31,363,955, AGAT duplicated on the plus strand (ATCT on the coding strand, the reverse complement: DMD is on the minus strand); duplicating any 4 consecutive bases within chrX:31,363,952-31,363,956 gives the same sequence; the c. name uses the placement nearest the transcript's 3' end. VCF-style (leftmost placement, unchanged base first): chrX-31363951-C-CAGAT. GRCh37 (hg19) VCF-style: chrX-31382068-C-CAGAT.
Other names: c.9061-15321_9061-15318dup (NM_000109.4); c.5062-15321_5062-15318dup (NM_004011.4); c.5053-15321_5053-15318dup (NM_004012.4); c.1705-15321_1705-15318dup (NM_004023.3, NM_004020.4, NM_004022.3 and 2 more transcripts); c.898-15321_898-15318dup (NM_004014.3); c.9073-15321_9073-15318dup (NM_004009.3); c.8716-15321_8716-15318dup (NM_004010.3); c.9085-15318_9085-15317insATCT (NM_004006.2).
Identifiers: ClinVar variation 679638 (VCV000679638.1), dbSNP rs200942533, ClinGen allele CA328422870.